The following is an entry in ClinVar:

ClinVar aggregate classification (germline): Uncertain significance (1 of 4 stars; one submission).

Conditions:
Myofibrillar myopathy 5. Also called: Filaminopathy (type); FILAMINOPATHY, AUTOSOMAL DOMINANT. Identifiers: Orphanet 171445, MedGen C1836050, MONDO:0012289, OMIM 609524.
Hypertrophic cardiomyopathy 26. Also called: Cardiomyopathy, familial hypertrophic, 26. Identifiers: Orphanet 75249, MedGen C4310749, MONDO:0014883, OMIM 617047.
Distal myopathy with posterior leg and anterior hand involvement. Also called: WILLIAMS DISTAL MYOPATHY. Identifiers: Orphanet 63273, MedGen C3279722, MONDO:0013550, OMIM 614065.

Submission:

Labcorp Genetics (formerly Invitae), Labcorp
Classification: Uncertain significance for Distal myopathy with posterior leg and anterior hand involvement; Myofibrillar myopathy 5; Hypertrophic cardiomyopathy 26. Last evaluated: 2025-01-14. Review status: criteria provided, single submitter. Criteria: Invitae Variant Classification Sherloc (09022015). Collection method: clinical testing. Allele origin: germline.
Comment: This sequence change falls in intron 24 of the FLNC gene. It does not directly change the encoded amino acid sequence of the FLNC protein. It affects a nucleotide within the consensus splice site. This variant is present in population databases (no rsID available, gnomAD 0.01%). This variant has not been reported in the literature in individuals affected with FLNC-related conditions. ClinVar contains an entry for this variant (Variation ID: 2925068). Variants that disrupt the consensus splice site are a relatively common cause of aberrant splicing (PMID: 17576681, 9536098). Algorithms developed to predict the effect of sequence changes on RNA splicing suggest that this variant may disrupt the consensus splice site. In summary, the available evidence is currently insufficient to determine the role of this variant in disease. Therefore, it has been classified as a Variant of Uncertain Significance.

Literature cited by the submitters: PubMed 17576681; PubMed 9536098.

NM_001458.5(FLNC):c.4289-3C>A

Gene: FLNC (filamin C; plus strand). Cytogenetic location: 7q32.1.
Variant type: single nucleotide variant.
Coding change: c.4289-3C>A on transcript NM_001458.5 (MANE Select); 3 bases into the intron before coding-DNA position 4289, C replaced by A.
Molecular consequence: intron variant.
Genome position (GRCh38, 1-based): chr7:128,847,694, C>A. VCF-style: chr7-128847694-C-A. GRCh37 (hg19) VCF-style: chr7-128487748-C-A.
Other names: c.4289-3C>A (NM_001127487.2).
Identifiers: ClinVar variation 2925068 (VCV002925068.3), dbSNP rs1434127330, ClinGen allele CA578150552.